The following is an entry in ClinVar:

ClinVar aggregate classification (germline): Uncertain significance (1 of 4 stars; one submission).

Conditions:
Atrial septal defect 5 (ASD5). Identifiers: Orphanet 1478, MedGen C2748552, MONDO:0013011, OMIM 612794.
Dilated cardiomyopathy 1R (CMD1R). Identifiers: Orphanet 154, Orphanet 54260, MedGen C3150681, MONDO:0013261, OMIM 613424.
Hypertrophic cardiomyopathy 11. Also called: ACTC1-Related Familial Hypertrophic Cardiomyopathy. Identifiers: MedGen C2677506, MONDO:0012799, OMIM 612098.

Submission:

Labcorp Genetics (formerly Invitae), Labcorp
Classification: Uncertain significance for Dilated cardiomyopathy 1R; Hypertrophic cardiomyopathy 11; Atrial septal defect 5. Last evaluated: 2021-12-23. Review status: criteria provided, single submitter. Criteria: Invitae Variant Classification Sherloc (09022015). Collection method: clinical testing. Allele origin: germline.
Comment: This variant is not present in population databases (gnomAD no frequency). In summary, the available evidence is currently insufficient to determine the role of this variant in disease. Therefore, it has been classified as a Variant of Uncertain Significance. Algorithms developed to predict the effect of missense changes on protein structure and function are either unavailable or do not agree on the potential impact of this missense change (SIFT: "Deleterious"; PolyPhen-2: "Benign"; Align-GVGD: "Class C55"). This variant has not been reported in the literature in individuals affected with ACTC1-related conditions. This sequence change replaces threonine, which is neutral and polar, with alanine, which is neutral and non-polar, at codon 151 of the ACTC1 protein (p.Thr151Ala).

NM_005159.5(ACTC1):c.451A>G (p.Thr151Ala)

Genes: GJD2-DT (GJD2 divergent transcript; plus strand), ACTC1 (actin alpha cardiac muscle 1; minus strand). Cytogenetic location: 15q14.
Variant type: single nucleotide variant.
Coding change: c.451A>G on transcript NM_005159.5 (MANE Select); coding-DNA position 451, A replaced by G.
Protein change: p.Thr151Ala; replaces threonine 151 with alanine.
Molecular consequence: missense variant.
Genome position (GRCh38, 1-based): chr15:34,793,248, T>C on the plus strand (A>G on the coding strand, the complement: ACTC1 is on the minus strand). VCF-style: chr15-34793248-T-C. GRCh37 (hg19) VCF-style: chr15-35085449-T-C.
Other names: c.451A>G, p.Thr151Ala (NM_001406482.1, NM_001406483.1); c.316A>G, p.Thr106Ala (NM_001406484.1); short protein forms T106A, T151A.
Identifiers: ClinVar variation 2055003 (VCV002055003.4), dbSNP rs2504182488, ClinGen allele CA391631208.